The following is an entry in ClinVar:

ClinVar aggregate classification (germline): Uncertain significance. Review status: criteria provided, multiple submitters, no conflicts (2 of 4 stars). 3 submissions from 3 submitters: Uncertain significance (2). 1 of the submissions does not count toward it. Last evaluated 2025-07-06.

Conditions:
PLEC-related disorder. Also called: PLEC-related disorders; PLEC-related condition.
Epidermolysis bullosa simplex 5B, with muscular dystrophy (EBS5B). Also called: Epidermolysis bullosa simplex with muscular dystrophy; EPIDERMOLYSIS BULLOSA SIMPLEX AND LIMB-GIRDLE MUSCULAR DYSTROPHY. Identifiers: Orphanet 257, MedGen C2931072, MONDO:0009181, OMIM 226670.
Epidermolysis bullosa simplex, Ogna type (EBS5A). Also called: Pidermolysis bullosa simplex 5A, Ogna type; EPIDERMOLYSIS BULLOSA SIMPLEX 5A, OGNA TYPE. Identifiers: Orphanet 79401, MedGen C0432317, MONDO:0007555, OMIM 131950.
Epidermolysis bullosa simplex 5C, with pyloric atresia (EBS5C). Also called: PLEC-Related Epidermolysis Bullosa with Pyloric Atresia; Epidermolysis bullosa simplex with pyloric atresia; PLEC1-Related Epidermolysis Bullosa with Pyloric Atresia. Identifiers: Orphanet 158684, MedGen C2677349, MONDO:0012807, OMIM 612138.
Autosomal recessive limb-girdle muscular dystrophy type 2Q (LGMDR17). Also called: MUSCULAR DYSTROPHY, LIMB-GIRDLE, AUTOSOMAL RECESSIVE 17. Identifiers: Orphanet 254361, MedGen C3150989, MONDO:0013390, OMIM 613723.
Epidermolysis bullosa simplex with nail dystrophy (EBS5D). Identifiers: MedGen C4225309, MONDO:0014661, OMIM 616487.

Allele frequency attached by ClinVar (database versions not stated): gnomAD 0.00001; gnomAD exomes 0.00001 and 0.00002; TOPMed 0.00001.
gnomAD v4.1: 31 of 1,544,604 alleles (0.002%); highest among the groups gnomAD compares: East Asian, 0.0048%; no homozygotes.

Submissions (3):

Labcorp Genetics (formerly Invitae), Labcorp
Classification: Uncertain significance for Autosomal recessive limb-girdle muscular dystrophy type 2Q; Epidermolysis bullosa simplex, Ogna type; Epidermolysis bullosa simplex with nail dystrophy; Epidermolysis bullosa simplex 5C, with pyloric atresia; Epidermolysis bullosa simplex 5B, with muscular dystrophy. Last evaluated: 2025-07-06. Review status: criteria provided, single submitter. Criteria: Invitae Variant Classification Sherloc (09022015). Collection method: clinical testing. Allele origin: germline.
Comment: This sequence change replaces arginine, which is basic and polar, with glutamine, which is neutral and polar, at codon 2574 of the PLEC protein (p.Arg2574Gln). The frequency data for this variant in the population databases is considered unreliable, as metrics indicate poor data quality at this position in the gnomAD database. This variant has not been reported in the literature in individuals affected with PLEC-related conditions. ClinVar contains an entry for this variant (Variation ID: 595433). An algorithm developed to predict the effect of missense changes on protein structure and function outputs the following: PolyPhen-2: "Benign". The glutamine amino acid residue is found in multiple mammalian species, which suggests that this missense change does not adversely affect protein function. In summary, the available evidence is currently insufficient to determine the role of this variant in disease. Therefore, it has been classified as a Variant of Uncertain Significance.

Eurofins Ntd Llc (ga)
Classification: Uncertain significance. Last evaluated: 2017-12-19. Review status: criteria provided, single submitter. Criteria: EGL Classification Definitions 2015. Collection method: clinical testing. Allele origin: germline. Observed: 1 variant allele, 1 heterozygote.

PreventionGenetics, part of Exact Sciences
Classification: Uncertain significance for PLEC-related condition. Last evaluated: 2024-05-17. Review status: no assertion criteria provided. Collection method: clinical testing. Allele origin: germline. Not counted in ClinVar's aggregate classification.
Comment: The PLEC c.7721G>A variant is predicted to result in the amino acid substitution p.Arg2574Gln. To our knowledge, this variant has not been reported in the literature. This variant is reported in 0.0088% of alleles in individuals of East Asian descent in gnomAD. At this time, the clinical significance of this variant is uncertain due to the absence of conclusive functional and genetic evidence.

NM_201384.3(PLEC):c.7640G>A (p.Arg2547Gln)

Gene: PLEC (plectin; minus strand). Cytogenetic location: 8q24.3.
Variant type: single nucleotide variant.
Coding change: c.7640G>A on transcript NM_201384.3 (MANE Select); coding-DNA position 7640, G replaced by A.
Protein change: p.Arg2547Gln; replaces arginine 2547 with glutamine.
Molecular consequence: missense variant.
Genome position (GRCh38, 1-based): chr8:143,922,181, C>T on the plus strand (G>A on the coding strand, the complement: PLEC is on the minus strand). VCF-style: chr8-143922181-C-T. GRCh37 (hg19) VCF-style: chr8-144996349-C-T.
Other names: c.7721G>A, p.Arg2574Gln (NM_000445.5); c.7598G>A, p.Arg2533Gln (NM_201378.4); c.7574G>A, p.Arg2525Gln (NM_201379.3); c.8051G>A, p.Arg2684Gln (NM_201380.4); c.7544G>A, p.Arg2515Gln (NM_201381.3); c.7640G>A, p.Arg2547Gln (NM_201382.4); c.7652G>A, p.Arg2551Gln (NM_201383.3); c.7721G>A (NM_000445.4); short protein forms R2533Q, R2547Q, R2551Q, R2684Q, R2515Q, R2525Q, R2574Q.
Identifiers: ClinVar variation 595433 (VCV000595433.11), dbSNP rs1554688726, ClinGen allele CA372523576.
Genomic context (GRCh38, chr8:143,922,181, plus strand): 5'-CGCACGCCCTCCTCGGCCTCATGCTGCCGCCGCCGCGCCTCCTCCATGCTGGCCACCAGC[C>T]GCTGCCGTTCCTGCTCCATCTGCTGCTGCTGCCGCTGCTGCTCCTCACGCAGCTGCTGTG-3'
Protein context (NP_958786.1, residues 2537-2557): QQQQMEQERQ[Arg2547Gln]LVASMEEARR